The following is an entry in ClinVar:

ClinVar aggregate classification (germline): Benign (1 of 4 stars; one submission).

Allele frequency attached by ClinVar (database versions not stated): gnomAD 0.73913 and 0.73906; 1000 Genomes Project 0.78934; 1000 Genomes Project 30x 0.78779; TOPMed 0.74056.
gnomAD v4.1: 112,250 of 152,144 alleles (74%); highest among the groups gnomAD compares: East Asian, 89%; 41,799 homozygotes.

Submissions (2):

GeneDx
Classification: Benign. Last evaluated: 2018-06-14. Review status: criteria provided, single submitter. Criteria: GeneDx Variant Classification (06012015). Collection method: clinical testing. Allele origin: germline. Affected: yes.
Comment: This variant is considered likely benign or benign based on one or more of the following criteria: it is a conservative change, it occurs at a poorly conserved position in the protein, it is predicted to be benign by multiple in silico algorithms, and/or has population frequency not consistent with disease.

Dr. Peter K. Rogan Lab, Western University
No classification provided (evidence only). Condition: Malignant lymphoma, large B-cell, diffuse. Review status: no classification provided. Collection method: in vitro. Allele origin: not applicable. Functional consequence: retained intron. Not counted in ClinVar's aggregate classification.

NM_001165963.4(SCN1A):c.2044-168A>T

Gene: SCN1A (sodium voltage-gated channel alpha subunit 1; minus strand). Cytogenetic location: 2q24.3.
Variant type: single nucleotide variant.
Coding change: c.2044-168A>T on transcript NM_001165963.4 (MANE Select); 168 bases into the intron before coding-DNA position 2044, A replaced by T.
Molecular consequence: intron variant.
Genome position (GRCh38, 1-based): chr2:166,042,592, T>A on the plus strand (A>T on the coding strand, the complement: SCN1A is on the minus strand). VCF-style: chr2-166042592-T-A. GRCh37 (hg19) VCF-style: chr2-166899102-T-A.
Other names: NC_000002.11:g.166899102T>A; c.2011-168A>T (NM_001353949.2, NM_001353950.2, NM_001353951.2 and 2 more transcripts); c.1960-168A>T (NM_001353958.2, NM_001353957.2, NM_001165964.3); c.2044-168A>T (NM_001202435.3, NM_001353948.2); c.2008-168A>T (NM_001353955.2, NM_001353954.2); c.1957-168A>T (NM_001353960.2); c.-415-168A>T (NM_001353961.2).
Identifiers: ClinVar variation 669300 (VCV000669300.2), dbSNP rs10167228, ClinGen allele CA15195480.